The following is an entry in ClinVar:

ClinVar aggregate classification (germline): Uncertain significance (1 of 4 stars; one submission).

Conditions:
Developmental and epileptic encephalopathy. Identifiers: MedGen C5779964, MONDO:0100620.

Allele frequency attached by ClinVar (database versions not stated): ExAC 0.00001; gnomAD 0.00001.
gnomAD v4.1: 8 of 1,604,726 alleles (0.0005%); highest among the groups gnomAD compares: South Asian, 0.0033%; no homozygotes.

Submission:

Labcorp Genetics (formerly Invitae), Labcorp
Classification: Uncertain significance for Early-infantile DEE. Last evaluated: 2023-09-22. Review status: criteria provided, single submitter. Criteria: Invitae Variant Classification Sherloc (09022015). Collection method: clinical testing. Allele origin: germline.
Comment: This sequence change creates a premature translational stop signal (p.Arg330*) in the KCNH5 gene. It is expected to result in an absent or disrupted protein product. However, the current clinical and genetic evidence is not sufficient to establish whether loss-of-function variants in KCNH5 cause disease. This variant is present in population databases (rs767049623, gnomAD 0.007%). This variant has not been reported in the literature in individuals affected with KCNH5-related conditions. ClinVar contains an entry for this variant (Variation ID: 847624). In summary, the available evidence is currently insufficient to determine the role of this variant in disease. Therefore, it has been classified as a Variant of Uncertain Significance.

NM_139318.5(KCNH5):c.988C>T (p.Arg330Ter)

Gene: KCNH5 (potassium voltage-gated channel subfamily H member 5; minus strand). Cytogenetic location: 14q23.2.
Variant type: single nucleotide variant.
Coding change: c.988C>T on transcript NM_139318.5 (MANE Select); coding-DNA position 988, C replaced by T.
Protein change: p.Arg330Ter; replaces arginine 330 with a stop codon.
Molecular consequence: nonsense.
Genome position (GRCh38, 1-based): chr14:62,950,514, G>A on the plus strand (C>T on the coding strand, the complement: KCNH5 is on the minus strand). VCF-style: chr14-62950514-G-A. GRCh37 (hg19) VCF-style: chr14-63417232-G-A.
Other names: c.988C>T, p.Arg330Ter (NM_172375.3); short protein forms R330*.
Identifiers: ClinVar variation 847624 (VCV000847624.6), dbSNP rs767049623, ClinGen allele CA7217545.